The following is an entry in ClinVar:

NM_001363711.2(DUOX2):c.413C>T (p.Pro138Leu)

Gene: DUOX2 (dual oxidase 2; minus strand). Cytogenetic location: 15q21.1.
Variant type: single nucleotide variant.
Coding change: c.413C>T on transcript NM_001363711.2 (MANE Select); coding-DNA position 413, C replaced by T.
Protein change: p.Pro138Leu; replaces proline 138 with leucine.
Molecular consequence: missense variant.
Genome position (GRCh38, 1-based): chr15:45,111,868, G>A on the plus strand (C>T on the coding strand, the complement: DUOX2 is on the minus strand). VCF-style: chr15-45111868-G-A. GRCh37 (hg19) VCF-style: chr15-45404066-G-A.
Other names: c.413C>T, p.Pro138Leu (NM_014080.5); short protein forms P138L.
Identifiers: ClinVar variation 260326 (VCV000260326.21), dbSNP rs2001616, ClinGen allele CA7538962.

ClinVar aggregate classification (germline): Benign/Likely benign. Review status: criteria provided, multiple submitters, no conflicts (2 of 4 stars). 10 submissions from 10 submitters: Benign (7); Likely benign (1). 2 of the submissions do not count toward it. Last evaluated 2026-05-08.

Conditions:
Thyroid dyshormonogenesis 6 (TDH6). Also called: HYPOTHYROIDISM, CONGENITAL, DUE TO DYSHORMONOGENESIS, 6; Genetic transient congenital hypothyroidism; THYROID HORMONOGENESIS, GENETIC DEFECT IN, 6. Identifiers: Orphanet 226316, Orphanet 95716, MedGen C1846632, MONDO:0011792, OMIM 607200.

Allele frequency attached by ClinVar (database versions not stated): ESP Exome Variant Server 0.74315; TOPMed 0.74668; 1000 Genomes Project 30x 0.74844; gnomAD 0.75375 and 0.76466; 1000 Genomes Project 0.75998; ExAC 0.86242; gnomAD exomes 0.86986.

Submissions (10):

Women's Health and Genetics/Laboratory Corporation of America, LabCorp
Classification: Benign. Last evaluated: 2026-05-08. Review status: criteria provided, single submitter. Criteria: LabCorp Variant Classification Summary - May 2015. Collection method: clinical testing. Allele origin: germline.

Labcorp Genetics (formerly Invitae), Labcorp
Classification: Benign. Last evaluated: 2026-02-04. Review status: criteria provided, single submitter. Criteria: Invitae Variant Classification Sherloc (09022015). Collection method: clinical testing. Allele origin: germline.

Blueprint Genetics
Classification: Likely benign. Last evaluated: 2024-11-27. Review status: criteria provided, single submitter. Criteria: ACMG Guidelines, 2015. Collection method: clinical testing. Allele origin: germline.

Mayo Clinic Laboratories, Mayo Clinic
Classification: Benign. Last evaluated: 2023-08-21. Review status: criteria provided, single submitter. Criteria: ACMG Guidelines, 2015. Collection method: clinical testing. Allele origin: germline. Observed: 98 variant alleles.
Comment: BA1, BS2, BP4

Illumina Laboratory Services, Illumina
Classification: Benign for Thyroid dyshormonogenesis 6. Last evaluated: 2018-01-12. Review status: criteria provided, single submitter. Criteria: ICSL Variant Classification Criteria 13 December 2019. Collection method: clinical testing. Allele origin: germline.
Comment: This variant was observed in the ICSL laboratory as part of a predisposition screen in an ostensibly healthy population. It had not been previously curated by ICSL or reported in the Human Gene Mutation Database (HGMD: prior to June 1st, 2018), and was therefore a candidate for classification through an automated scoring system. Utilizing variant allele frequency, disease prevalence and penetrance estimates, and inheritance mode, an automated score was calculated to assess if this variant is too frequent to cause the disease. Based on the score and internal cut-off values, a variant classified as benign is not then subjected to further curation. The score for this variant resulted in a classification of benign for this disease.

Clinical Genetics DNA and cytogenetics Diagnostics Lab, Erasmus MC, Erasmus Medical Center
Classification: Benign for Thyroid dyshormonogenesis 6. Last evaluated: 2015-09-21. Review status: criteria provided, single submitter. Criteria: ACGS Guidelines, 2013. Collection method: clinical testing. Allele origin: germline. Affected: yes. Study: VKGL Data-share Consensus.

Breakthrough Genomics
Classification: Benign. Review status: criteria provided, single submitter. Criteria: ACMG Guidelines, 2015. Collection method: not provided. Allele origin: germline. Inheritance: Autosomal recessive inheritance. Affected: yes.

PreventionGenetics, part of Exact Sciences
Classification: Benign. Review status: criteria provided, single submitter. Criteria: ACMG Guidelines, 2015. Collection method: clinical testing. Allele origin: germline.

Clinical Genetics, Academic Medical Center
Classification: Benign. Review status: no assertion criteria provided. Collection method: clinical testing. Allele origin: germline. Affected: yes. Study: VKGL Data-share Consensus. Not counted in ClinVar's aggregate classification.

Diagnostic Laboratory, Department of Genetics, University Medical Center Groningen
Classification: Benign for Thyroid dyshormonogenesis 6. Review status: no assertion criteria provided. Collection method: clinical testing. Allele origin: germline. Affected: yes. Study: VKGL Data-share Consensus. Not counted in ClinVar's aggregate classification.

Literature cited by the submitters: PubMed 24423310 (cited by Mayo Clinic Laboratories, Mayo Clinic).